The following is an entry in ClinVar:

ClinVar aggregate classification (germline): Pathogenic/Likely pathogenic. Review status: criteria provided, multiple submitters, no conflicts (2 of 4 stars). 8 submissions from 8 submitters: Pathogenic (7); Likely pathogenic (1). Last evaluated 2025-07-02.

Conditions:
Cardiovascular phenotype. Identifiers: MedGen CN230736.
Arrhythmogenic right ventricular dysplasia 9 (ARVD9). Also called: ARRHYTHMOGENIC RIGHT VENTRICULAR DYSPLASIA, FAMILIAL, 9; Arrhythmogenic Right Ventricular Dysplasia/Cardiomyopathy 9. Identifiers: MedGen C1836906, MONDO:0012180, OMIM 609040.
PKP2-related disorder. Also called: PKP2-related condition.
Arrhythmogenic right ventricular cardiomyopathy (ARVD). Also called: Arrhythmogenic cardiomyopathy; Arrhythmogenic Right Ventricular Cardiomyopathy (ARVC); Cardiomyopathy, ARVC; Arrhythmogenic right ventricular dysplasia. Identifiers: Orphanet 247, MedGen C0349788, MeSH D019571, MONDO:0016587. Disease mechanism: loss of function. Inheritance: Various modes of inheritance.

Allele frequency attached by ClinVar (database versions not stated): gnomAD exomes below 0.00001 and 0.00001; TOPMed below 0.00001; ExAC 0.00001.
gnomAD v4.1: 5 of 1,613,872 alleles (0.00031%); highest among the groups gnomAD compares: East Asian, 0.0022%; no homozygotes.

Submissions (8):

Labcorp Genetics (formerly Invitae), Labcorp
Classification: Pathogenic for Arrhythmogenic right ventricular dysplasia 9. Last evaluated: 2025-07-02. Review status: criteria provided, single submitter. Criteria: Invitae Variant Classification Sherloc (09022015). Collection method: clinical testing. Allele origin: germline.
Comment: This sequence change creates a premature translational stop signal (p.Arg355*) in the PKP2 gene. It is expected to result in an absent or disrupted protein product. Loss-of-function variants in PKP2 are known to be pathogenic (PMID: 15489853, 17041889, 23911551). This variant is present in population databases (rs754912778, gnomAD 0.006%). This premature translational stop signal has been observed in individual(s) with arrhythmogenic right ventricular cardiomyopathy (PMID: 24125834, 25765472, 27532257). ClinVar contains an entry for this variant (Variation ID: 201977). For these reasons, this variant has been classified as Pathogenic.

GeneDx
Classification: Pathogenic. Last evaluated: 2025-06-22. Review status: criteria provided, single submitter. Criteria: GeneDx Variant Classification Process June 2021. Collection method: clinical testing. Allele origin: germline. Affected: yes.
Comment: Identified in patients with ARVC in published literature (PMID: 27532257, 25765472, 24125834, 35653365, 35536239, 28491739, 36264615); Nonsense variant predicted to result in protein truncation or nonsense mediated decay in a gene for which loss of function is a known mechanism of disease; Not observed at significant frequency in large population cohorts (gnomAD); This variant is associated with the following publications: (PMID: 27532257, 24125834, 36451335, 35536239, 25765472, 35653365, 28491739, 36264615, 31402444, 37728764, 35727495, 37739045)

Ambry Genetics
Classification: Pathogenic for Cardiovascular phenotype. Last evaluated: 2023-12-01. Review status: criteria provided, single submitter. Criteria: Ambry Variant Classification Scheme 2023. Collection method: clinical testing. Allele origin: germline.
Comment: The p.R355* pathogenic mutation (also known as c.1063C>T), located in coding exon 4 of the PKP2 gene, results from a C to T substitution at nucleotide position 1063. This changes the amino acid from an arginine to a stop codon within coding exon 4. This alteration has been reported in association with arrhythmogenic right ventricular cardiomyopathy (ARVC) (Bao J et al. Circ Cardiovasc Genet, 2013 Dec;6:552-6; Zhou X et al. Eur J Med Genet, 2015 Apr;58:258-65; Castro SA et al. HeartRhythm Case Rep, 2016 Nov;2:469-472). This alteration has also been reported in biobank and whole exome sequencing cohorts (Haggerty CM et al. Genet Med, 2017 Nov;19:1245-1252; Xiao H et al. World J Pediatr, 2022 Oct;18:687-694; Bourfiss M et al. Circ Genom Precis Med, 2022 Dec;15:e003704). This variant is considered to be rare based on population cohorts in the Genome Aggregation Database (gnomAD). In addition to the clinical data presented in the literature, this alteration is expected to result in loss of function by premature protein truncation or nonsense-mediated mRNA decay. As such, this alteration is interpreted as a disease-causing mutation.

All of Us Research Program, National Institutes of Health
Classification: Pathogenic for Arrhythmogenic right ventricular cardiomyopathy. Last evaluated: 2023-11-28. Review status: criteria provided, single submitter. Criteria: ACMG Guidelines, 2015. Collection method: clinical testing. Allele origin: germline. Inheritance: Autosomal dominant inheritance. Observed: 1 variant allele, 1 heterozygote.
Comment: This variant is predicted to result in loss of protein function through nonsense-mediated decay or protein truncation. Loss of function is an established mechanism of disease. It has been reported in multiple individuals with arrhythmogenic right ventricular cardiomyopathy or referred for cardiomyopathy genetic testing (PMID: 28491739, 25765472, 24125834, 27532257). This variant is rare in large population databases, including the Genome Aggregation Database.

This study involves interpretation of variants in research participants for the purpose of population health screening. Participant phenotype was not available at the time of variant classification. Additional details can be found in publication PMID: 35346344, PMCID: PMC8962531

New York Genome Center
Classification: Pathogenic for Arrhythmogenic right ventricular dysplasia 9. Last evaluated: 2021-07-16. Review status: criteria provided, single submitter. Criteria: NYGC Assertion Criteria 2020. Collection method: clinical testing. Allele origin: inherited. Observed: 1 heterozygote. Study: CSER-NYCKidSeq.
Comment: The nonsense c.3764C>G, p.Ala1255Gly variant identified in the MYBPC3 gene has been reported in individuals affected with arrhythmogenic right ventricular cardiomyopathy (PMID: 24125834, 27532257, 25765472). This variant is absent in gnomAD v3.1.1, suggesting it is not a common benign variant in the populations represented in this database. The variant is predicted to cause loss of normal protein function either by protein truncation or nonsense-mediated mRNAdecay. Loss-of-function variants in PKP2 are known to be pathogenic (PMID: 15489853, 23911551). Based on available evidence, this variant is classified as Pathogenic.

Blueprint Genetics
Classification: Pathogenic for PKP2-related disorders. Last evaluated: 2020-02-27. Review status: criteria provided, single submitter. Criteria: ACMG Guidelines, 2015. Collection method: clinical testing. Allele origin: germline. Affected: yes. Observed: 1 variant allele.

Laboratory for Molecular Medicine, Mass General Brigham Personalized Medicine
Classification: Likely pathogenic for Arrhythmogenic right ventricular cardiomyopathy. Last evaluated: 2019-03-29. Review status: criteria provided, single submitter. Criteria: ACMG Guidelines, 2015. Collection method: clinical testing. Allele origin: germline. Inheritance: Autosomal dominant inheritance.
Comment: The p.Arg355X variant in PKP2 has been identified in 1 individual with ARVC (Bao 2013). This variant has also been identified in 1/8650 East Asian chromosomes by the Exome Aggregation Consortium (ExAC; dbSNP rs754912778) and has been reported in ClinVar (Variation ID: 201977). This nonsense variant leads to a premature termination codon at position 355, which is predicted to lead to a truncated or absent protein. Frameshift and other truncating variants in PKP2 are strongly associated with ARVC. In summary, although additional studies are required to fully establish its clinical significance, the p.Arg355X variant is likely pathogenic.

Clinical Genetics Service, Universitary Hospital 12 de Octubre
Classification: Pathogenic for Arrhythmogenic right ventricular dysplasia 9. Review status: criteria provided, single submitter. Criteria: ACMG Guidelines, 2015. Collection method: clinical testing. Allele origin: germline. Affected: yes.

Literature cited by the submitters: PubMed 15489853 (cited by Labcorp Genetics (formerly Invitae), Labcorp); PubMed 17041889 (cited by Labcorp Genetics (formerly Invitae), Labcorp); PubMed 23911551 (cited by Labcorp Genetics (formerly Invitae), Labcorp); PubMed 24125834 (cited by 5 submitters); PubMed 25765472 (cited by 4 submitters); PubMed 27532257 (cited by 5 submitters); PubMed 28471438 (cited by Ambry Genetics); PubMed 28491739 (cited by Ambry Genetics and All of Us Research Program, National Institutes of Health); PubMed 35536239 (cited by Ambry Genetics); PubMed 35653365 (cited by Ambry Genetics); PubMed 35727495 (cited by Ambry Genetics); PubMed 36264615 (cited by Ambry Genetics).

NM_001005242.3(PKP2):c.1063C>T (p.Arg355Ter)

Gene: PKP2 (plakophilin 2; minus strand). Cytogenetic location: 12p11.21.
Variant type: single nucleotide variant.
Coding change: c.1063C>T on transcript NM_001005242.3 (MANE Select); coding-DNA position 1063, C replaced by T.
Protein change: p.Arg355Ter; replaces arginine 355 with a stop codon.
Molecular consequence: nonsense.
Genome position (GRCh38, 1-based): chr12:32,869,034, G>A on the plus strand (C>T on the coding strand, the complement: PKP2 is on the minus strand). VCF-style: chr12-32869034-G-A. GRCh37 (hg19) VCF-style: chr12-33021968-G-A.
Other names: p.R355*:CGA>TGA; c.1063C>T, p.Arg355Ter (NM_004572.4); short protein forms R355*.
Identifiers: ClinVar variation 201977 (VCV000201977.19), dbSNP rs754912778, ClinGen allele CA010728.